The following is an entry in ClinVar:

ClinVar aggregate classification (germline): Pathogenic (1 of 4 stars; one submission).

Submission:

GeneDx
Classification: Pathogenic. Last evaluated: 2021-06-15. Review status: criteria provided, single submitter. Criteria: GeneDx Variant Classification Process June 2021. Collection method: clinical testing. Allele origin: germline. Affected: yes.
Comment: Frameshift variant predicted to result in protein truncation or nonsense mediated decay in a gene for which loss-of-function is a known mechanism of disease; Not observed at significant frequency in large population cohorts (Lek et al., 2016); Has not been previously published as pathogenic or benign to our knowledge; This variant is associated with the following publications: (PMID: 27535533)

NM_005515.4(MNX1):c.325_337del (p.Gly109fs)

Gene: MNX1 (motor neuron and pancreas homeobox 1; minus strand). Cytogenetic location: 7q36.3.
Variant type: Deletion.
Coding change: c.325_337del on transcript NM_005515.4 (MANE Select); coding-DNA positions 325 to 337, 13 bases deleted (GGGCACGGGGGGC).
Protein change: p.Gly109fs; shifts the reading frame from glycine 109.
Molecular consequence: frameshift variant.
Genome position (GRCh38, 1-based): chr7:157,010,014-157,010,026, GCCCCCCGTGCCC deleted on the plus strand (GGGCACGGGGGGC on the coding strand, the reverse complement: MNX1 is on the minus strand); deleting any 13 consecutive bases within chr7:157,010,014-157,010,029 gives the same sequence; the c. name uses the placement nearest the transcript's 3' end. VCF-style (leftmost placement, unchanged base first): chr7-157010013-GGCCCCCCGTGCCC-G. GRCh37 (hg19) VCF-style: chr7-156802707-GGCCCCCCGTGCCC-G.
Other names: short protein forms G109fs.
Identifiers: ClinVar variation 452317 (VCV000452317.4), dbSNP rs1554594245, ClinGen allele CA658657743.